The following is an entry in ClinVar:

NM_002524.5(NRAS):c.421T>C (p.Phe141Leu)

Gene: NRAS (NRAS proto-oncogene, GTPase; minus strand). Cytogenetic location: 1p13.2.
Variant type: single nucleotide variant.
Coding change: c.421T>C on transcript NM_002524.5 (MANE Select); coding-DNA position 421, T replaced by C.
Protein change: p.Phe141Leu; replaces phenylalanine 141 with leucine.
Molecular consequence: missense variant.
Genome position (GRCh38, 1-based): chr1:114,709,598, A>G on the plus strand (T>C on the coding strand, the complement: NRAS is on the minus strand). VCF-style: chr1-114709598-A-G. GRCh37 (hg19) VCF-style: chr1-115252219-A-G.
Other names: short protein forms F141L.
Identifiers: ClinVar variation 2762882 (VCV002762882.3), dbSNP rs1658995926, ClinGen allele CA341739139.

ClinVar aggregate classification (germline): Uncertain significance (1 of 4 stars; one submission).

Conditions:
RASopathy. Also called: Noonan spectrum disorder; rasopathies. Identifiers: Orphanet 536391, MedGen C5555857, MONDO:0021060.

gnomAD v4.1: 1 of 1,614,132 alleles (0.000062%); highest among the groups gnomAD compares: Non-Finnish European, 0.000085%; no homozygotes.

Submission:

Labcorp Genetics (formerly Invitae), Labcorp
Classification: Uncertain significance for RASopathy. Last evaluated: 2023-10-13. Review status: criteria provided, single submitter. Criteria: Invitae Variant Classification Sherloc (09022015). Collection method: clinical testing. Allele origin: germline.
Comment: This sequence change replaces phenylalanine, which is neutral and non-polar, with leucine, which is neutral and non-polar, at codon 141 of the NRAS protein (p.Phe141Leu). This variant is not present in population databases (gnomAD no frequency). This variant has not been reported in the literature in individuals affected with NRAS-related conditions. An algorithm developed to predict the effect of missense changes on protein structure and function (PolyPhen-2) suggests that this variant is likely to be tolerated. In summary, the available evidence is currently insufficient to determine the role of this variant in disease. Therefore, it has been classified as a Variant of Uncertain Significance.